The following is an entry in ClinVar:

NM_002458.3(MUC5B):c.16977A>G (p.Gln5659=)

Gene: MUC5B (mucin 5B, oligomeric mucus/gel-forming; plus strand). Cytogenetic location: 11p15.5.
Variant type: single nucleotide variant.
Coding change: c.16977A>G on transcript NM_002458.3 (MANE Select); coding-DNA position 16977, A replaced by G.
Protein change: p.Gln5659=; no amino-acid change (glutamine 5659 retained).
Molecular consequence: synonymous variant.
Genome position (GRCh38, 1-based): chr11:1,260,636, A>G. VCF-style: chr11-1260636-A-G. GRCh37 (hg19) VCF-style: chr11-1281866-A-G.
Identifiers: ClinVar variation 2641317 (VCV002641317.24), dbSNP rs372234566, ClinGen allele CA5809614.
Genomic context (GRCh38, chr11:1,260,636, plus strand): 5'-CTCAGAGTGAGGGTCCAGTGGGGCTCCACATCTGCCTTTCCTCCTCCCAGACTCCTGTCA[A>G]GTCCGCATCAACACGACCATCCTGTGGCACCAGGGCTGCGAGACCGAGGTCAACATCACC-3'
Protein context (NP_002449.2, residues 5649-5669): CCYSCEEDSC[Gln5659=]VRINTTILWH

ClinVar aggregate classification (germline): Likely benign (1 of 4 stars; one submission).

Allele frequency attached by ClinVar (database versions not stated): gnomAD 0.00014; gnomAD exomes 0.00018; ExAC 0.00019; TOPMed 0.00021; ESP Exome Variant Server 0.00023.
gnomAD v4.1: 283 of 1,612,336 alleles (0.018%); highest among the groups gnomAD compares: Non-Finnish European, 0.023%; no homozygotes.

Submission:

CeGaT Center for Human Genetics Tuebingen
Classification: Likely benign. Last evaluated: 2022-03-01. Review status: criteria provided, single submitter. Criteria: CeGaT Center For Human Genetics Tuebingen Variant Classification Criteria Version 2. Collection method: clinical testing. Allele origin: germline. Affected: yes. Observed: 1 variant allele.
Comment: MUC5B: BP4, BP7